The following is an entry in ClinVar:

ClinVar aggregate classification (germline): Uncertain significance (1 of 4 stars; one submission).

Conditions:
Ataxia-telangiectasia syndrome (AT). Also called: Cerebello-oculocutaneous telangiectasia; Immunodeficiency with ataxia telangiectasia; LOUIS-BAR SYNDROME; ATAXIA-TELANGIECTASIA, COMPLEMENTATION GROUP A; ATAXIA-TELANGIECTASIA, FRESNO VARIANT; Ataxia-telangiectasia, complementation group D. Identifiers: Orphanet 100, MedGen C0004135, MONDO:0008840, OMIM 208900.

Submission:

Labcorp Genetics (formerly Invitae), Labcorp
Classification: Uncertain significance for Ataxia-telangiectasia syndrome. Last evaluated: 2021-08-23. Review status: criteria provided, single submitter. Criteria: Invitae Variant Classification Sherloc (09022015). Collection method: clinical testing. Allele origin: germline.
Comment: This sequence change replaces lysine with asparagine at codon 750 of the ATM protein (p.Lys750Asn). The lysine residue is highly conserved and there is a moderate physicochemical difference between lysine and asparagine. This variant also falls at the last nucleotide of exon 14, which is part of the consensus splice site for this exon. This variant is not present in population databases (ExAC no frequency). This variant has not been reported in the literature in individuals affected with ATM-related conditions. Algorithms developed to predict the effect of missense changes on protein structure and function are either unavailable or do not agree on the potential impact of this missense change (SIFT: "Deleterious"; PolyPhen-2: "Probably Damaging"; Align-GVGD: "Class C0"). Variants that disrupt the consensus splice site are a relatively common cause of aberrant splicing (PMID: 17576681, 9536098). Algorithms developed to predict the effect of sequence changes on RNA splicing suggest that this variant may disrupt the consensus splice site. This variant disrupts the c.2250G nucleotide in the ATM gene. Other variant(s) that disrupt this nucleotide have been determined to be pathogenic (PMID: 9463314, 9887333, 10330348, 10980530, 19691550). This suggests that this nucleotide is clinically significant, and that variants that disrupt this position are likely to be disease-causing. In summary, the available evidence is currently insufficient to determine the role of this variant in disease. Therefore, it has been classified as a Variant of Uncertain Significance.

Literature cited by the submitters: PubMed 17576681; PubMed 9536098; PubMed 9463314; PubMed 9887333; PubMed 10330348; PubMed 10980530; PubMed 19691550.

NM_000051.4(ATM):c.2250G>C (p.Lys750Asn)

Gene: ATM (ATM serine/threonine kinase; plus strand). Cytogenetic location: 11q22.3.
Variant type: single nucleotide variant.
Coding change: c.2250G>C on transcript NM_000051.4 (MANE Select); coding-DNA position 2250, G replaced by C.
Protein change: p.Lys750Asn; replaces lysine 750 with asparagine.
Molecular consequence: missense variant.
Genome position (GRCh38, 1-based): chr11:108,256,340, G>C. VCF-style: chr11-108256340-G-C. GRCh37 (hg19) VCF-style: chr11-108127067-G-C.
Other names: c.2250G>C, p.Lys750Asn (NM_001351834.2); short protein forms K750N.
Identifiers: ClinVar variation 1376781 (VCV001376781.6), dbSNP rs1137887, ClinGen allele CA382539314.